The following is an entry in ClinVar:

NM_001211.6(BUB1B):c.1110G>T (p.Lys370Asn)

Gene: BUB1B (BUB1 mitotic checkpoint serine/threonine kinase B; plus strand). Cytogenetic location: 15q15.1.
Variant type: single nucleotide variant.
Coding change: c.1110G>T on transcript NM_001211.6 (MANE Select); coding-DNA position 1110, G replaced by T.
Protein change: p.Lys370Asn; replaces lysine 370 with asparagine.
Molecular consequence: missense variant.
Genome position (GRCh38, 1-based): chr15:40,196,596, G>T. VCF-style: chr15-40196596-G-T. GRCh37 (hg19) VCF-style: chr15-40488797-G-T.
Other names: short protein forms K370N.
Identifiers: ClinVar variation 1795129 (VCV001795129.2), dbSNP rs1595526295, ClinGen allele CA391687049.

ClinVar aggregate classification (germline): Uncertain significance (1 of 4 stars; one submission).

Conditions:
Inborn genetic diseases. Identifiers: MedGen C0950123, MeSH D030342.

Allele frequency attached by ClinVar (database versions not stated): gnomAD exomes below 0.00001.
gnomAD v4.1: 2 of 1,613,938 alleles (0.00012%); highest among the groups gnomAD compares: Middle Eastern, 0.016%; no homozygotes.

Submission:

Ambry Genetics
Classification: Uncertain significance for Inborn genetic diseases. Last evaluated: 2021-09-18. Review status: criteria provided, single submitter. Criteria: Ambry Variant Classification Scheme 2023. Collection method: clinical testing. Allele origin: germline.
Comment: The p.K370N variant (also known as c.1110G>T), located in coding exon 9 of the BUB1B gene, results from a G to T substitution at nucleotide position 1110. The lysine at codon 370 is replaced by asparagine, an amino acid with similar properties. This amino acid position is conserved. In addition, this alteration is predicted to be tolerated by in silico analysis. Since supporting evidence is limited at this time, the clinical significance of this alteration remains unclear.